The following is an entry in ClinVar:

NM_001163435.3(TBCK):c.1058del (p.Cys353fs)

Gene: TBCK (TBC1 domain containing kinase; minus strand). Cytogenetic location: 4q24.
Variant type: Deletion.
Coding change: c.1058del on transcript NM_001163435.3 (MANE Select); coding-DNA position 1058, one base deleted (G; older notation c.1058delG).
Protein change: p.Cys353fs; shifts the reading frame from cysteine 353.
Molecular consequence: frameshift variant.
Genome position (GRCh38, 1-based): chr4:106,244,638, C deleted on the plus strand (G on the coding strand, the reverse complement: TBCK is on the minus strand). VCF-style (leftmost placement, unchanged base first): chr4-106244637-GC-G. GRCh37 (hg19) VCF-style: chr4-107165794-GC-G.
Other names: NM_001163435.3(TBCK):c.1058del; p.Cys353fs; c.1058del, p.Cys353fs (NM_001163436.4); c.941del, p.Cys314fs (NM_001163437.3); c.542del, p.Cys181fs (NM_001290768.2); c.869del, p.Cys290fs (NM_033115.5); short protein forms C353fs, C290fs, C181fs, C314fs.
Identifiers: ClinVar variation 2125261 (VCV002125261.5), dbSNP rs1183077355, ClinGen allele CA553626460.
Genomic context (GRCh38, chr4:106,244,637, plus strand): 5'-TACCATGTATTTATTTATTTAAATTCCCAAGAGAAGTTTCTTTCCTTACTTGGGGAGTGT[GC>G]AGATAGGTGGTTTGGATCGAATGATTTCCTTGTTGACAAGCTCTTTCTCCAAGTCACCTC-3'

ClinVar aggregate classification (germline): Pathogenic/Likely pathogenic. Review status: criteria provided, multiple submitters, no conflicts (2 of 4 stars). 2 submissions from 2 submitters: Pathogenic (1); Likely pathogenic (1). Last evaluated 2025-01-14.

Conditions:
Hypotonia, infantile, with psychomotor retardation and characteristic facies 3 (IHPRF3). Also called: TBCK-Related Neurodevelopmental Disorder. Identifiers: Orphanet 488632, MedGen C5567480, MONDO:0014823, OMIM 616900.

Allele frequency attached by ClinVar (database versions not stated): gnomAD exomes below 0.00001; TOPMed below 0.00001; gnomAD 0.00001.

Submissions (2):

Broad Center for Mendelian Genomics, Broad Institute of MIT and Harvard
Classification: Likely pathogenic for Hypotonia, infantile, with psychomotor retardation and characteristic facies 3. Last evaluated: 2025-01-14. Review status: criteria provided, single submitter. Criteria: ACMG Guidelines, 2015. Collection method: curation. Allele origin: germline. Inheritance: Autosomal recessive inheritance.
Comment: The p.Cys353SerfsTer24 variant in TBCK has not been previously reported in the literature in individuals with TBCK-related intellectual disability syndrome, but has been identified in 0.004% (2/44486) of East Asian chromosomes by the Genome Aggregation Database (gnomAD; dbSNP ID: rs761238158). Although this variant has been seen in the general population in a heterozygous state, its frequency is low enough to be consistent with a recessive carrier frequency. This variant has also been reported in ClinVar (Variation ID: 2125261) and has been interpreted as pathogenic by Invitae. This variant is predicted to cause a frameshift, which alters the protein‚Äôs amino acid sequence beginning at position 353 and leads to a premature termination codon 24 amino acids downstream. This alteration is then predicted to lead to a truncated or absent protein. Loss of function of the TBCK gene is an established disease mechanism in autosomal recessive TBCK-related intellectual disability syndrome. In summary, although additional studies are required to fully establish its clinical significance, this variant is likely pathogenic for autosomal recessive TBCK-related intellectual disability syndrome. ACMG/AMP Criteria applied: PVS1, PM2_supporting (Richards 2015).

Labcorp Genetics (formerly Invitae), Labcorp
Classification: Pathogenic. Last evaluated: 2022-04-12. Review status: criteria provided, single submitter. Criteria: Invitae Variant Classification Sherloc (09022015). Collection method: clinical testing. Allele origin: germline.
Comment: For these reasons, this variant has been classified as Pathogenic. This variant has not been reported in the literature in individuals affected with TBCK-related conditions. This variant is present in population databases (no rsID available, gnomAD 0.01%). This sequence change creates a premature translational stop signal (p.Cys353Serfs*24) in the TBCK gene. It is expected to result in an absent or disrupted protein product. Loss-of-function variants in TBCK are known to be pathogenic (PMID: 27040692, 30103036).

Literature cited by the submitters: PubMed 27040692 (cited by Labcorp Genetics (formerly Invitae), Labcorp); PubMed 30103036 (cited by Labcorp Genetics (formerly Invitae), Labcorp).